The following is an entry in ClinVar:

ClinVar aggregate classification (germline): Uncertain significance (1 of 4 stars; one submission).

Submission:

GeneDx
Classification: Uncertain significance. Last evaluated: 2022-07-14. Review status: criteria provided, single submitter. Criteria: GeneDx Variant Classification Process June 2021. Collection method: clinical testing. Allele origin: germline. Affected: yes.
Comment: Not observed at significant frequency in large population cohorts (gnomAD); In silico analysis supports that this missense variant does not alter protein structure/function; Has not been previously published as pathogenic or benign to our knowledge

NM_000937.5(POLR2A):c.3689A>G (p.Gln1230Arg)

Gene: POLR2A (RNA polymerase II subunit A; plus strand). Cytogenetic location: 17p13.1.
Variant type: single nucleotide variant.
Coding change: c.3689A>G on transcript NM_000937.5 (MANE Select); coding-DNA position 3689, A replaced by G.
Protein change: p.Gln1230Arg; replaces glutamine 1230 with arginine.
Molecular consequence: missense variant.
Genome position (GRCh38, 1-based): chr17:7,509,167, A>G. VCF-style: chr17-7509167-A-G. GRCh37 (hg19) VCF-style: chr17-7412486-A-G.
Other names: short protein forms Q1230R.
Identifiers: ClinVar variation 1878798 (VCV001878798.1), dbSNP rs2070674908, ClinGen allele CA397812262.